The following is an entry in ClinVar:

NM_004638.4(PRRC2A):c.4110C>T (p.Arg1370=)

Gene: PRRC2A (proline rich coiled-coil 2A; plus strand). Cytogenetic location: 6p21.33.
Variant type: single nucleotide variant.
Coding change: c.4110C>T on transcript NM_004638.4 (MANE Select); coding-DNA position 4110, C replaced by T.
Protein change: p.Arg1370=; no amino-acid change (arginine 1370 retained).
Molecular consequence: synonymous variant.
Genome position (GRCh38, 1-based): chr6:31,632,783, C>T. VCF-style: chr6-31632783-C-T. GRCh37 (hg19) VCF-style: chr6-31600560-C-T.
Other names: c.4110C>T, p.Arg1370= (NM_080686.3).
Identifiers: ClinVar variation 3042283 (VCV003042283.2), dbSNP rs9501151, ClinGen allele CA3716102.

ClinVar aggregate classification (germline): Benign (0 of 4 stars; one submission).

Conditions:
PRRC2A-related disorder. Also called: PRRC2A-related condition.

Allele frequency attached by ClinVar (database versions not stated): gnomAD exomes 0.00058; gnomAD 0.00420; 1000 Genomes Project 30x 0.00453; 1000 Genomes Project 0.00479; ESP Exome Variant Server 0.00486; TOPMed 0.00493.
gnomAD v4.1: 1,544 of 1,613,050 alleles (0.096%); highest among the groups gnomAD compares: African/African-American, 1.4%; 9 homozygotes.

Submission:

PreventionGenetics, part of Exact Sciences
Classification: Benign for PRRC2A-related condition. Last evaluated: 2019-04-10. Review status: no assertion criteria provided. Collection method: clinical testing. Allele origin: germline.
Comment: This variant is classified as benign based on ACMG/AMP sequence variant interpretation guidelines (Richards et al. 2015 PMID: 25741868, with internal and published modifications).